The following is an entry in ClinVar:

ClinVar aggregate classification (germline): Pathogenic (1 of 4 stars; one submission).

Conditions:
Breast-ovarian cancer, familial, susceptibility to, 2 (BROVCA2). Also called: BRCA2 Hereditary Breast and Ovarian Cancer. Identifiers: Orphanet 145, MedGen C2675520, MONDO:0012933, OMIM 612555. Disease mechanism: loss of function.

Submission:

Dasa
Classification: Pathogenic for Breast-ovarian cancer, familial, susceptibility to, 2. Last evaluated: 2026-02-12. Review status: criteria provided, single submitter. Criteria: DASA Assertion Criteria. Collection method: clinical testing. Allele origin: germline.
Comment: NM_000059.4(BRCA2):c.659dup (p.Phe221Ilefs*4) introduces a premature termination codon predicted to result in loss of normal protein function. Loss-of-function is an established mechanism of disease for this gene. The variant is present at low frequency in population datasets. Based on the available data, this variant is classified as pathogenic.

NM_000059.4(BRCA2):c.659dup (p.Phe221fs)

Gene: BRCA2 (BRCA2 DNA repair associated; plus strand). Cytogenetic location: 13q13.1.
Variant type: Duplication.
Coding change: c.659dup on transcript NM_000059.4 (MANE Select); coding-DNA position 659, one base duplicated (T; older notation c.659dupT).
Protein change: p.Phe221fs; shifts the reading frame from phenylalanine 221.
Molecular consequence: frameshift variant. On other transcripts: non-coding transcript variant (1).
Genome position (GRCh38, 1-based): chr13:32,329,470, T duplicated. VCF-style (leftmost placement, unchanged base first): chr13-32329469-G-GT. GRCh37 (hg19) VCF-style: chr13-32903606-G-GT.
Other names: c.659dup, p.Phe221fs (NM_001406719.1, NM_001406720.1, NM_001406721.1 and 1 more transcripts); c.290dup, p.Phe98fs (NM_001406722.1); short protein forms F221fs, F98fs.
Identifiers: ClinVar variation 4852015 (VCV004852015.1).